The following is an entry in ClinVar:

ClinVar aggregate classification (germline): Conflicting classifications of pathogenicity. Review status: criteria provided, conflicting classifications (1 of 4 stars). 8 submissions from 8 submitters: Uncertain significance (5); Benign (1); Likely benign (2). Last evaluated 2026-09-30.

Conditions:
MYH9-related disorder. Identifiers: MedGen C1854520.
Autosomal dominant nonsyndromic hearing loss 17. Also called: Deafness, autosomal dominant 17; Autosomal dominant nonsyndromic deafness 17. Identifiers: Orphanet 90635, MedGen C1863659, MONDO:0011350, OMIM 603622.
Macrothrombocytopenia and granulocyte inclusions with or without nephritis or sensorineural hearing loss (MATINS). Also called: MAY-HEGGLIN ANOMALY; DOHLE LEUKOCYTE INCLUSIONS WITH GIANT PLATELETS; ALPORT SYNDROME WITH MACROTHROMBOCYTOPENIA; Fechtner syndrome; Epstein syndrome; Giant platelet syndrome with thrombocytopenia. Identifiers: Orphanet 182050, MedGen C5200934, MONDO:0015912, OMIM 155100.

Allele frequency attached by ClinVar (database versions not stated): ESP Exome Variant Server 0.00008.
gnomAD v4.1: 118 of 1,614,024 alleles (0.0073%); highest among the groups gnomAD compares: Middle Eastern, 0.049%; no homozygotes.

Submissions (8):

GeneDx
Classification: Uncertain significance. Last evaluated: 2026-09-30. Review status: criteria provided, single submitter. Criteria: GeneDx Variant Classification Process June 2021. Collection method: clinical testing. Allele origin: germline.
Comment: In silico analysis suggests that this missense variant does not alter protein structure/function; Reported in a cohort of patients with non-syndromic hearing loss; patient-specific information was not provided (PMID: 27068579); This variant is associated with the following publications: (PMID: 27068579)

PreventionGenetics, part of Exact Sciences
Classification: Uncertain significance for MYH9-related condition. Last evaluated: 2026-09-23. Review status: criteria provided, single submitter. Criteria: ACMG Guidelines, 2015. Collection method: clinical testing. Allele origin: germline.
Comment: The MYH9 c.3677G>T variant is predicted to result in the amino acid substitution p.Arg1226Leu. To our knowledge, this variant has not been reported in the literature. This variant is reported in 0.026% of alleles in individuals of South Asian descent in gnomAD. This variant has interpretations ranging from benign to uncertain significance in ClinVar (Variation ID: 1370545). Although we suspect that this variant may be benign, at this time, the clinical significance of this variant is uncertain due to the absence of conclusive functional and genetic evidence.

Women's Health and Genetics/Laboratory Corporation of America, LabCorp
Classification: Uncertain significance. Last evaluated: 2026-05-05. Review status: criteria provided, single submitter. Criteria: LabCorp Variant Classification Summary - May 2015. Collection method: clinical testing. Allele origin: germline.
Comment: Variant summary: MYH9 c.3677G>T (p.Arg1226Leu) results in a non-conservative amino acid change in the encoded protein sequence. Algorithms developed to predict the effect of missense changes on protein structure and function are either unavailable or do not agree on the potential impact of this missense change. The variant allele was found at a frequency of 9.2e-05 in 251306 control chromosomes. This frequency is not significantly higher than estimated for disease-causing variants in MYH9, allowing no conclusion about variant significance. c.3677G>T has been observed in individual(s) affected with non-syndromic hearing loss without reported genotype (e.g. Sommen_2016). These report(s) do not provide unequivocal conclusions about association of the variant with Macrothrombocytopenia And Granulocyte Inclusions With Or Without Nephritis Or Sensorineural Hearing Loss. To our knowledge, no experimental evidence demonstrating an impact on protein function has been reported. The following publication has been ascertained in the context of this evaluation (PMID: 27068579). ClinVar contains an entry for this variant (Variation ID: 1370545). Based on the evidence outlined above, the variant was classified as uncertain significance.

Labcorp Genetics (formerly Invitae), Labcorp
Classification: Benign. Last evaluated: 2025-07-10. Review status: criteria provided, single submitter. Criteria: Invitae Variant Classification Sherloc (09022015). Collection method: clinical testing. Allele origin: germline.

CeGaT Center for Human Genetics Tuebingen
Classification: Likely benign. Last evaluated: 2024-09-01. Review status: criteria provided, single submitter. Criteria: CeGaT Center For Human Genetics Tuebingen Variant Classification Criteria Version 2. Collection method: clinical testing. Allele origin: germline. Affected: yes. Observed: 2 variant alleles.
Comment: MYH9: PP2, BP4, BS2

Blueprint Genetics
Classification: Likely benign. Last evaluated: 2024-07-09. Review status: criteria provided, single submitter. Criteria: ACMG Guidelines, 2015. Collection method: clinical testing. Allele origin: germline.

Fulgent Genetics
Classification: Uncertain significance for Macrothrombocytopenia and granulocyte inclusions with or without nephritis or sensorineural hearing loss; Autosomal dominant nonsyndromic hearing loss 17. Last evaluated: 2024-06-01. Review status: criteria provided, single submitter. Criteria: ACMG Guidelines, 2015. Collection method: clinical testing. Allele origin: germline.

Mayo Clinic Laboratories, Mayo Clinic
Classification: Uncertain significance. Last evaluated: 2024-04-18. Review status: criteria provided, single submitter. Criteria: ACMG Guidelines, 2015. Collection method: clinical testing. Allele origin: germline. Observed: 1 variant allele.
Comment: PP2

Literature cited by the submitters: PubMed 27068579 (cited by Women's Health and Genetics/Laboratory Corporation of America, LabCorp).

NM_002473.6(MYH9):c.3677G>T (p.Arg1226Leu)

Gene: MYH9 (myosin heavy chain 9; minus strand). Cytogenetic location: 22q12.3.
Variant type: single nucleotide variant.
Coding change: c.3677G>T on transcript NM_002473.6 (MANE Select); coding-DNA position 3677, G replaced by T.
Protein change: p.Arg1226Leu; replaces arginine 1226 with leucine.
Molecular consequence: missense variant.
Genome position (GRCh38, 1-based): chr22:36,294,252, C>A on the plus strand (G>T on the coding strand, the complement: MYH9 is on the minus strand). VCF-style: chr22-36294252-C-A. GRCh37 (hg19) VCF-style: chr22-36690298-C-A.
Other names: p.Arg1226Leu; c.3677G>T (NM_002473.5); short protein forms R1226L.
Identifiers: ClinVar variation 1370545 (VCV001370545.39), dbSNP rs200697030, ClinGen allele CA10209594.